The following is an entry in ClinVar:

ClinVar aggregate classification (germline): Uncertain significance (1 of 4 stars; one submission).

Conditions:
Sulfite oxidase deficiency due to molybdenum cofactor deficiency type C. Also called: Molybdenum cofactor deficiency, complementation group C; Molybdenum cofactor deficiency C. Identifiers: Orphanet 308400, Orphanet 833, MedGen C1854990, MONDO:0014212, OMIM 615501.

Submission:

Labcorp Genetics (formerly Invitae), Labcorp
Classification: Uncertain significance for Sulfite oxidase deficiency due to molybdenum cofactor deficiency type C. Last evaluated: 2022-07-21. Review status: criteria provided, single submitter. Criteria: Invitae Variant Classification Sherloc (09022015). Collection method: clinical testing. Allele origin: germline.
Comment: In summary, the available evidence is currently insufficient to determine the role of this variant in disease. Therefore, it has been classified as a Variant of Uncertain Significance. Experimental studies and prediction algorithms are not available or were not evaluated, and the functional significance of this variant is currently unknown. This variant has not been reported in the literature in individuals affected with GPHN-related conditions. This variant is a gross deletion of the genomic region encompassing exon(s) 5-7 of the GPHN gene. This variant would be expected to be in-frame, preserving the integrity of the reading frame.

NC_000014.8:g.(?_67346637)_(67389675_?)del

Gene: GPHN (gephyrin; plus strand). Cytogenetic location: 14q23.3.
Variant type: Deletion.
Identifiers: ClinVar variation 2426609 (VCV002426609.3).